The following is an entry in ClinVar:

NM_152743.4(BRAT1):c.1251del (p.Thr418fs)

Gene: BRAT1 (BRCA1 associated ATM activator 1; minus strand). Cytogenetic location: 7p22.3.
Variant type: Deletion.
Coding change: c.1251del on transcript NM_152743.4 (MANE Select); coding-DNA position 1251, one base deleted (G; older notation c.1251delG).
Protein change: p.Thr418fs; shifts the reading frame from threonine 418.
Molecular consequence: frameshift variant. On other transcripts: non-coding transcript variant (1).
Genome position (GRCh38, 1-based): chr7:2,541,368, C deleted on the plus strand (G on the coding strand, the reverse complement: BRAT1 is on the minus strand); the first of 3 consecutive C bases (chr7:2,541,368-2,541,370); deleting any one gives the same sequence. VCF-style (leftmost placement, unchanged base first): chr7-2541367-TC-T. GRCh37 (hg19) VCF-style: chr7-2581001-TC-T.
Other names: c.1251del, p.Thr418fs (NM_001350626.2); c.726del, p.Thr243fs (NM_001350627.2); short protein forms T243fs, T418fs.
Identifiers: ClinVar variation 4807731 (VCV004807731.1).

ClinVar aggregate classification (germline): Pathogenic (1 of 4 stars; one submission).

Conditions:
Neonatal-onset encephalopathy with rigidity and seizures. Also called: Lethal neonatal spasticity-epileptic encephalopathy syndrome. Identifiers: Orphanet 435845, MedGen C3281029, MONDO:0013784, OMIM 614498.

Submission:

Labcorp Genetics (formerly Invitae), Labcorp
Classification: Pathogenic for Neonatal-onset encephalopathy with rigidity and seizures. Last evaluated: 2025-04-17. Review status: criteria provided, single submitter. Criteria: Invitae Variant Classification Sherloc (09022015). Collection method: clinical testing. Allele origin: germline.
Comment: This sequence change creates a premature translational stop signal (p.Thr418Profs*29) in the BRAT1 gene. It is expected to result in an absent or disrupted protein product. Loss-of-function variants in BRAT1 are known to be pathogenic (PMID: 22279524, 25500575). This variant is present in population databases (no rsID available, gnomAD 0.0009%). This variant has not been reported in the literature in individuals affected with BRAT1-related conditions. For these reasons, this variant has been classified as Pathogenic.

Literature cited by the submitters: PubMed 22279524; PubMed 25500575.